The following is an entry in ClinVar:

ClinVar aggregate classification (germline): Uncertain significance (1 of 4 stars; one submission).

Conditions:
AP3B2-related disorder. Also called: AP3B2-related condition.

gnomAD v4.1: 9 of 1,613,538 alleles (0.00056%); highest among the groups gnomAD compares: Non-Finnish European, 0.00076%; no homozygotes.

Submission:

GeneDx
Classification: Uncertain significance. Last evaluated: 2020-12-18. Review status: criteria provided, single submitter. Criteria: GeneDx Variant Classification Process June 2021. Collection method: clinical testing. Allele origin: germline. Affected: yes.
Comment: In silico analysis, which includes splice predictors and evolutionary conservation, suggests this variant may impact gene splicing. In the absence of RNA/functional studies, the actual effect of this sequence change is unknown.; Has not been previously published as pathogenic or benign to our knowledge

NM_001278512.2(AP3B2):c.588G>A (p.Thr196=)

Genes: AP3B2 (adaptor related protein complex 3 subunit beta 2; minus strand), CPEB1-AS1 (CPEB1 antisense RNA 1; plus strand). Cytogenetic location: 15q25.2.
Variant type: single nucleotide variant.
Coding change: c.588G>A on transcript NM_001278512.2 (MANE Select); coding-DNA position 588, G replaced by A.
Protein change: p.Thr196=; no amino-acid change (threonine 196 retained).
Molecular consequence: synonymous variant.
Genome position (GRCh38, 1-based): chr15:82,681,112, C>T on the plus strand (G>A on the coding strand, the complement: AP3B2 is on the minus strand). VCF-style: chr15-82681112-C-T. GRCh37 (hg19) VCF-style: chr15-83349864-C-T.
Other names: c.492G>A, p.Thr164= (NM_001278511.2); c.588G>A, p.Thr196= (NM_004644.5).
Identifiers: ClinVar variation 1305608 (VCV001305608.3), dbSNP rs202130220, ClinGen allele CA273456466.